The following is an entry in ClinVar:

ClinVar aggregate classification (germline): Likely benign. Review status: criteria provided, multiple submitters, no conflicts (2 of 4 stars). 5 submissions from 5 submitters: Likely benign (4). 1 of the submissions does not count toward it. Last evaluated 2025-12-23.

Conditions:
LAMB1-related disorder. Also called: LAMB1-related condition.

Allele frequency attached by ClinVar (database versions not stated): ESP Exome Variant Server 0.00008; TOPMed 0.00015; gnomAD 0.00019; 1000 Genomes Project 0.00020; ExAC 0.00020; gnomAD exomes 0.00020; 1000 Genomes Project 30x 0.00031.
gnomAD v4.1: 334 of 1,613,804 alleles (0.021%); highest among the groups gnomAD compares: Middle Eastern, 0.16%; no homozygotes.

Submissions (5):

Labcorp Genetics (formerly Invitae), Labcorp
Classification: Likely benign. Last evaluated: 2025-12-23. Review status: criteria provided, single submitter. Criteria: Invitae Variant Classification Sherloc (09022015). Collection method: clinical testing. Allele origin: germline.

Blueprint Genetics
Classification: Likely benign. Last evaluated: 2024-09-24. Review status: criteria provided, single submitter. Criteria: ACMG Guidelines, 2015. Collection method: clinical testing. Allele origin: germline.

CeGaT Center for Human Genetics Tuebingen
Classification: Likely benign. Last evaluated: 2022-06-01. Review status: criteria provided, single submitter. Criteria: CeGaT Center For Human Genetics Tuebingen Variant Classification Criteria Version 2. Collection method: clinical testing. Allele origin: germline. Affected: yes. Observed: 1 variant allele.
Comment: LAMB1: BP4, BP7

GeneDx
Classification: Likely benign. Last evaluated: 2020-12-02. Review status: criteria provided, single submitter. Criteria: GeneDx Variant Classification Process June 2021. Collection method: clinical testing. Allele origin: germline. Affected: yes.

PreventionGenetics, part of Exact Sciences
Classification: Likely benign for LAMB1-related condition. Last evaluated: 2024-01-26. Review status: no assertion criteria provided. Collection method: clinical testing. Allele origin: germline. Not counted in ClinVar's aggregate classification.
Comment: This variant is classified as likely benign based on ACMG/AMP sequence variant interpretation guidelines (Richards et al. 2015 PMID: 25741868, with internal and published modifications).

NM_002291.3(LAMB1):c.4947C>T (p.Ser1649=)

Gene: LAMB1 (laminin subunit beta 1; minus strand). Cytogenetic location: 7q31.1.
Variant type: single nucleotide variant.
Coding change: c.4947C>T on transcript NM_002291.3 (MANE Select); coding-DNA position 4947, C replaced by T.
Protein change: p.Ser1649=; no amino-acid change (serine 1649 retained).
Molecular consequence: synonymous variant.
Genome position (GRCh38, 1-based): chr7:107,926,300, G>A on the plus strand (C>T on the coding strand, the complement: LAMB1 is on the minus strand). VCF-style: chr7-107926300-G-A. GRCh37 (hg19) VCF-style: chr7-107566745-G-A.
Identifiers: ClinVar variation 721746 (VCV000721746.36), dbSNP rs190017087, ClinGen allele CA4434886.